The following is an entry in ClinVar:

NM_006087.4(TUBB4A):c.277+538_277+541dup

Gene: TUBB4A (tubulin beta 4A class IVa; minus strand). Cytogenetic location: 19p13.3.
Variant type: Duplication.
Coding change: c.277+538_277+541dup on transcript NM_006087.4 (MANE Select); bases 538 to 541 of the intron after coding-DNA position 277, 4 bases duplicated (TTTT; older notation c.277+538_277+541dupTTTT).
Molecular consequence: intron variant.
Genome position (GRCh38, 1-based): chr19:6,500,746-6,500,749, AAAA duplicated on the plus strand (TTTT on the coding strand, the reverse complement: TUBB4A is on the minus strand); duplicating any 4 consecutive bases within chr19:6,500,746-6,500,761 gives the same sequence; the c. name uses the placement nearest the transcript's 3' end. VCF-style (leftmost placement, unchanged base first): chr19-6500745-G-GAAAA. GRCh37 (hg19) VCF-style: chr19-6500756-G-GAAAA.
Other names: c.277+538_277+541dup (NM_001289129.2); c.412+538_412+541dup (NM_001289127.2); c.430+538_430+541dup (NM_001289123.2); c.61+538_61+541dup (NM_001289131.2, NM_001289130.2).
Identifiers: ClinVar variation 2649140 (VCV002649140.24), dbSNP rs113460662, ClinGen allele CA631651617.

ClinVar aggregate classification (germline): Benign (1 of 4 stars; one submission).

Submission:

CeGaT Center for Human Genetics Tuebingen
Classification: Benign. Last evaluated: 2022-11-01. Review status: criteria provided, single submitter. Criteria: CeGaT Center For Human Genetics Tuebingen Variant Classification Criteria Version 2. Collection method: clinical testing. Allele origin: germline. Affected: yes. Observed: 1 variant allele.
Comment: TUBB4A: BS1, BS2